The following is an entry in ClinVar:

ClinVar aggregate classification (germline): Uncertain significance (1 of 4 stars; one submission).

gnomAD v4.1: 1 of 1,614,140 alleles (0.000062%); highest among the groups gnomAD compares: South Asian, 0.0011%; no homozygotes.

Submission:

GeneDx
Classification: Uncertain significance. Last evaluated: 2024-12-03. Review status: criteria provided, single submitter. Criteria: GeneDx Variant Classification Process June 2021. Collection method: clinical testing. Allele origin: germline.
Comment: Not observed at significant frequency in large population cohorts (gnomAD); In silico analysis supports that this missense variant has a deleterious effect on protein structure/function; Has not been previously published as pathogenic or benign to our knowledge

NM_182476.3(COQ6):c.372C>G (p.Cys124Trp)

Genes: COQ6 (coenzyme Q6, monooxygenase; plus strand), ENTPD5 (ectonucleoside triphosphate diphosphohydrolase 5; minus strand). Cytogenetic location: 14q24.3.
Variant type: single nucleotide variant.
Coding change: c.372C>G on transcript NM_182476.3 (MANE Select); coding-DNA position 372, C replaced by G.
Protein change: p.Cys124Trp; replaces cysteine 124 with tryptophan.
Molecular consequence: missense variant. On other transcripts: intron variant (2), 5 prime UTR variant (2), 3 prime UTR variant (1).
Genome position (GRCh38, 1-based): chr14:73,955,819, C>G. VCF-style: chr14-73955819-C-G. GRCh37 (hg19) VCF-style: chr14-74422522-C-G.
Other names: c.1201-232G>C (NM_001382258.1); c.372C>G, p.Cys124Trp (NM_001425255.1, NM_001425256.1); c.207C>G, p.Cys69Trp (NM_001425257.1); c.297C>G, p.Cys99Trp (NM_001425258.1, NM_182480.3); c.147C>G, p.Cys49Trp (NM_001425259.1, NM_001425260.1, NM_001425261.1); c.45C>G, p.Cys15Trp (NM_001425263.1); c.-38C>G (NM_001425264.1, NM_001425265.1); c.*1G>C (NM_001382262.1); and 1 more; short protein forms C124W, C15W, C49W, C69W, C99W.
Identifiers: ClinVar variation 3368686 (VCV003368686.2).